The following is an entry in ClinVar:

NM_004655.4(AXIN2):c.48C>T (p.Ser16=)

Gene: AXIN2 (axin 2; minus strand). Cytogenetic location: 17q24.1.
Variant type: single nucleotide variant.
Coding change: c.48C>T on transcript NM_004655.4 (MANE Select); coding-DNA position 48, C replaced by T.
Protein change: p.Ser16=; no amino-acid change (serine 16 retained).
Molecular consequence: synonymous variant.
Genome position (GRCh38, 1-based): chr17:65,558,573, G>A on the plus strand (C>T on the coding strand, the complement: AXIN2 is on the minus strand). VCF-style: chr17-65558573-G-A. GRCh37 (hg19) VCF-style: chr17-63554691-G-A.
Other names: c.48C>T, p.Ser16= (NM_001363813.1).
Identifiers: ClinVar variation 1603758 (VCV001603758.11), dbSNP rs774425655, ClinGen allele CA8719108.
Genomic context (GRCh38, chr17:65,558,573, plus strand): 5'-ACACGGTGGGGTCTCCCCTTCTTCCCCTGGCACTGGGGGCCGCGGGGCATCCTCACGGAA[G>A]CTGCTGCTGGGGTCCGGGAGGCAAGTCACCAACATAGCGCTACTCATGGTGAGGGAGCTC-3'
Protein context (NP_004646.3, residues 6-26): LVTCLPDPSS[Ser16=]FREDAPRPPV

ClinVar aggregate classification (germline): Benign/Likely benign. Review status: criteria provided, multiple submitters, no conflicts (2 of 4 stars). 3 submissions from 3 submitters: Benign (1); Likely benign (2). Last evaluated 2025-10-15.

Conditions:
Hereditary cancer-predisposing syndrome. Also called: Tumor predisposition; Hereditary neoplastic syndrome; Neoplastic Syndromes, Hereditary; Hereditary Cancer Syndrome. Identifiers: Orphanet 140162, MedGen C0027672, MeSH D009386, MONDO:0015356.
Oligodontia-cancer predisposition syndrome. Also called: TOOTH AGENESIS-COLORECTAL CANCER SYNDROME. Identifiers: Orphanet 300576, MedGen C1837750, MONDO:0012075, OMIM 608615. Disease mechanism: loss of function.

Allele frequency attached by ClinVar (database versions not stated): ExAC 0.00001; gnomAD exomes 0.00001.
gnomAD v4.1: 13 of 1,612,140 alleles (0.00081%); highest among the groups gnomAD compares: South Asian, 0.014%; no homozygotes.

Submissions (3):

Labcorp Genetics (formerly Invitae), Labcorp
Classification: Likely benign for Oligodontia-cancer predisposition syndrome. Last evaluated: 2025-10-15. Review status: criteria provided, single submitter. Criteria: Invitae Variant Classification Sherloc (09022015). Collection method: clinical testing. Allele origin: germline.

Myriad Genetics, Inc.
Classification: Benign for Oligodontia-cancer predisposition syndrome. Last evaluated: 2024-06-25. Review status: criteria provided, single submitter. Criteria: Myriad Autosomal Dominant, Autosomal Recessive and X-Linked Classification Criteria (2023). Collection method: clinical testing. Allele origin: unknown.
Comment: This variant is considered benign. This variant is a silent/synonymous amino acid change and it is not expected to impact splicing.

Ambry Genetics
Classification: Likely benign for Hereditary cancer-predisposing syndrome. Last evaluated: 2020-03-17. Review status: criteria provided, single submitter. Criteria: Ambry Variant Classification Scheme 2023. Collection method: clinical testing. Allele origin: germline.